The following is an entry in ClinVar:

NM_000059.4(BRCA2):c.236T>G (p.Ile79Arg)

Gene: BRCA2 (BRCA2 DNA repair associated; plus strand). Cytogenetic location: 13q13.1.
Variant type: single nucleotide variant.
Coding change: c.236T>G on transcript NM_000059.4 (MANE Select); coding-DNA position 236, T replaced by G.
Protein change: p.Ile79Arg; replaces isoleucine 79 with arginine.
Molecular consequence: missense variant.
Genome position (GRCh38, 1-based): chr13:32,319,245, T>G. VCF-style: chr13-32319245-T-G. GRCh37 (hg19) VCF-style: chr13-32893382-T-G.
Other names: short protein forms I79R.
Identifiers: ClinVar variation 1041151 (VCV001041151.11), dbSNP rs2072288527, ClinGen allele CA387754510.

ClinVar aggregate classification (germline): Uncertain significance (1 of 4 stars; one submission).

Conditions:
Hereditary breast ovarian cancer syndrome. Also called: Hereditary breast and ovarian cancer syndrome (HBOC); Breast and ovarian cancer; Hereditary breast and ovarian cancer syndrome; Hereditary breast and ovarian cancer; Hereditary breast and/or ovarian cancer syndrome; BRCA1- and BRCA2-Associated Hereditary Breast and Ovarian Cancer. Identifiers: Orphanet 145, MedGen C0677776, MeSH D061325, MONDO:0003582. Disease mechanism: loss of function.

Submission:

Labcorp Genetics (formerly Invitae), Labcorp
Classification: Uncertain significance for Hereditary breast ovarian cancer syndrome. Last evaluated: 2020-01-13. Review status: criteria provided, single submitter. Criteria: Invitae Variant Classification Sherloc (09022015). Collection method: clinical testing. Allele origin: germline.
Comment: Algorithms developed to predict the effect of missense changes on protein structure and function are either unavailable or do not agree on the potential impact of this missense change (SIFT: "Deleterious"; PolyPhen-2: "Possibly Damaging"; Align-GVGD: "Class C0"). This variant has not been reported in the literature in individuals with BRCA2-related conditions. This variant is not present in population databases (ExAC no frequency). This sequence change replaces isoleucine with arginine at codon 79 of the BRCA2 protein (p.Ile79Arg). The isoleucine residue is weakly conserved and there is a moderate physicochemical difference between isoleucine and arginine. In summary, the available evidence is currently insufficient to determine the role of this variant in disease. Therefore, it has been classified as a Variant of Uncertain Significance. Algorithms developed to predict the effect of sequence changes on RNA splicing suggest that this variant may create or strengthen a splice site, but this prediction has not been confirmed by published transcriptional studies.